The following is an entry in ClinVar:

ClinVar aggregate classification (germline): Uncertain significance (1 of 4 stars; one submission).

Conditions:
Peroxisome biogenesis disorder 2B (PBD2B). Identifiers: Orphanet 44, MedGen C3550234, MONDO:0008736, OMIM 202370.

Submission:

Labcorp Genetics (formerly Invitae), Labcorp
Classification: Uncertain significance for Peroxisome biogenesis disorder 2B. Last evaluated: 2022-10-27. Review status: criteria provided, single submitter. Criteria: Invitae Variant Classification Sherloc (09022015). Collection method: clinical testing. Allele origin: germline.
Comment: A copy number gain of the genomic region encompassing the full coding sequence of the PEX5 gene has been identified. The boundaries of this event are unknown as they extend beyond the assayed region for this gene and therefore may encompass additional genes. As the precise location of this event is unknown, it may be in tandem or it may be located elsewhere in the genome. This variant has not been reported in the literature in individuals affected with PEX5-related conditions. In summary, the available evidence is currently insufficient to determine the role of this variant in disease. Therefore, it has been classified as a Variant of Uncertain Significance.

NC_000012.11:g.(?_7342974)_(7362819_?)dup

Gene: PEX5 (peroxisomal biogenesis factor 5; plus strand). Cytogenetic location: 12p13.31.
Variant type: Duplication.
Identifiers: ClinVar variation 2423796 (VCV002423796.3).